The following is an entry in ClinVar:

ClinVar aggregate classification (germline): Likely benign. Review status: criteria provided, multiple submitters, no conflicts (2 of 4 stars). 2 submissions from 2 submitters: Likely benign (2). Last evaluated 2018-06-14.

Allele frequency attached by ClinVar (database versions not stated): gnomAD exomes 0.01803 and 0.02838; TOPMed 0.01932; gnomAD 0.02083 and 0.01983; 1000 Genomes Project 0.00799; ExAC 0.01584; 1000 Genomes Project 30x 0.00812.
gnomAD v4.1: 38,525 of 1,405,970 alleles (2.7%); highest among the groups gnomAD compares: Non-Finnish European, 3.3%; 640 homozygotes.

Submissions (3):

GeneDx
Classification: Likely benign. Last evaluated: 2018-06-14. Review status: criteria provided, single submitter. Criteria: GeneDx Variant Classification (06012015). Collection method: clinical testing. Allele origin: germline. Affected: yes.
Comment: This variant is considered likely benign or benign based on one or more of the following criteria: it is a conservative change, it occurs at a poorly conserved position in the protein, it is predicted to be benign by multiple in silico algorithms, and/or has population frequency not consistent with disease.

Breakthrough Genomics
Classification: Likely benign. Review status: criteria provided, single submitter. Criteria: ACMG Guidelines, 2015. Collection method: not provided. Allele origin: germline. Inheritance: Autosomal recessive inheritance. Affected: yes.

Dr. Peter K. Rogan Lab, Western University
No classification provided (evidence only). Condition: Malignant tumor of esophagus. Review status: no classification provided. Collection method: in vitro. Allele origin: not applicable. Functional consequence: retained intron. Not counted in ClinVar's aggregate classification.

NM_006294.5(UQCRB):c.258+213C>G

Gene: UQCRB (ubiquinol-cytochrome c reductase binding protein; minus strand). Cytogenetic location: 8q22.1.
Variant type: single nucleotide variant.
Coding change: c.258+213C>G on transcript NM_006294.5 (MANE Select); 213 bases into the intron after coding-DNA position 258, C replaced by G.
Molecular consequence: intron variant.
Genome position (GRCh38, 1-based): chr8:96,231,561, G>C on the plus strand (C>G on the coding strand, the complement: UQCRB is on the minus strand). VCF-style: chr8-96231561-G-C. GRCh37 (hg19) VCF-style: chr8-97243789-G-C.
Other names: NC_000008.10:g.97243789G>C; c.259-46C>G (NM_001254752.2); c.162+213C>G (NM_001199975.3).
Identifiers: ClinVar variation 676764 (VCV000676764.3), dbSNP rs77407648, ClinGen allele CA4815874.